The following is an entry in ClinVar:

NM_005909.5(MAP1B):c.7155C>T (p.Tyr2385=)

Gene: MAP1B (microtubule associated protein 1B; plus strand). Cytogenetic location: 5q13.2.
Variant type: single nucleotide variant.
Coding change: c.7155C>T on transcript NM_005909.5 (MANE Select); coding-DNA position 7155, C replaced by T.
Protein change: p.Tyr2385=; no amino-acid change (tyrosine 2385 retained).
Molecular consequence: synonymous variant.
Genome position (GRCh38, 1-based): chr5:72,203,705, C>T. VCF-style: chr5-72203705-C-T. GRCh37 (hg19) VCF-style: chr5-71499532-C-T.
Other names: c.6777C>T, p.Tyr2259= (NM_001324255.2).
Identifiers: ClinVar variation 3032906 (VCV003032906.3), dbSNP rs550695913, ClinGen allele CA3299602.

ClinVar aggregate classification (germline): Likely benign. Review status: criteria provided, single submitter (1 of 4 stars). 2 submissions from 2 submitters: Likely benign (1). 1 of the submissions does not count toward it. Last evaluated 2023-02-15.

Conditions:
MAP1B-related disorder. Also called: MAP1B-related condition.

Allele frequency attached by ClinVar (database versions not stated): gnomAD exomes 0.00001; TOPMed 0.00001; ExAC 0.00002; gnomAD 0.00002; 1000 Genomes Project 30x 0.00016; 1000 Genomes Project 0.00020.
gnomAD v4.1: 18 of 1,613,978 alleles (0.0011%); highest among the groups gnomAD compares: South Asian, 0.0077%; no homozygotes.

Submissions (2):

Blueprint Genetics
Classification: Likely benign. Last evaluated: 2023-02-15. Review status: criteria provided, single submitter. Criteria: ACMG Guidelines, 2015. Collection method: clinical testing. Allele origin: germline.

PreventionGenetics, part of Exact Sciences
Classification: Likely benign for MAP1B-related condition. Last evaluated: 2024-01-23. Review status: no assertion criteria provided. Collection method: clinical testing. Allele origin: germline. Not counted in ClinVar's aggregate classification.
Comment: This variant is classified as likely benign based on ACMG/AMP sequence variant interpretation guidelines (Richards et al. 2015 PMID: 25741868, with internal and published modifications).